The following is an entry in ClinVar:

NM_203447.4(DOCK8):c.1416C>G (p.Phe472Leu)

Gene: DOCK8 (dedicator of cytokinesis 8; plus strand). Cytogenetic location: 9p24.3.
Variant type: single nucleotide variant.
Coding change: c.1416C>G on transcript NM_203447.4 (MANE Select); coding-DNA position 1416, C replaced by G.
Protein change: p.Phe472Leu; replaces phenylalanine 472 with leucine.
Molecular consequence: missense variant.
Genome position (GRCh38, 1-based): chr9:336,712, C>G. VCF-style: chr9-336712-C-G. GRCh37 (hg19) VCF-style: chr9-336712-C-G.
Other names: c.1212C>G, p.Phe404Leu (NM_001190458.2, NM_001193536.2); short protein forms F404L, F472L.
Identifiers: ClinVar variation 1343292 (VCV001343292.3), dbSNP rs1443199004, ClinGen allele CA372753571.

ClinVar aggregate classification (germline): Uncertain significance. Review status: criteria provided, single submitter (1 of 4 stars). 2 submissions from 2 submitters: Uncertain significance (1). 1 of the submissions does not count toward it. Last evaluated 2024-12-23.

Conditions:
Hepatoblastoma. Identifiers: Orphanet 449, MedGen C0206624, MONDO:0018666, HP:0002884.

Allele frequency attached by ClinVar (database versions not stated): TOPMed below 0.00001; gnomAD exomes 0.00001 and 0.00002.
gnomAD v4.1: 8 of 1,613,974 alleles (0.0005%); highest among the groups gnomAD compares: Admixed American, 0.012%; no homozygotes.

Submissions (2):

Labcorp Genetics (formerly Invitae), Labcorp
Classification: Uncertain significance for Combined immunodeficiency due to DOCK8 deficiency. Last evaluated: 2024-12-23. Review status: criteria provided, single submitter. Criteria: Invitae Variant Classification Sherloc (09022015). Collection method: clinical testing. Allele origin: germline.
Comment: This sequence change replaces phenylalanine, which is neutral and non-polar, with leucine, which is neutral and non-polar, at codon 472 of the DOCK8 protein (p.Phe472Leu). This variant is present in population databases (no rsID available, gnomAD 0.01%). This variant has not been reported in the literature in individuals affected with DOCK8-related conditions. ClinVar contains an entry for this variant (Variation ID: 1343292). Invitae Evidence Modeling of protein sequence and biophysical properties (such as structural, functional, and spatial information, amino acid conservation, physicochemical variation, residue mobility, and thermodynamic stability) indicates that this missense variant is not expected to disrupt DOCK8 protein function with a negative predictive value of 80%. In summary, the available evidence is currently insufficient to determine the role of this variant in disease. Therefore, it has been classified as a Variant of Uncertain Significance.

Molecular Oncology -  Human Genetics Lab, University of Sao Paulo
Classification: Uncertain significance for Hepatoblastoma. Review status: no assertion criteria provided. Collection method: research. Allele origin: germline. Affected: yes. Not counted in ClinVar's aggregate classification.